The following is an entry in ClinVar:

ClinVar aggregate classification (germline): Pathogenic (1 of 4 stars; one submission).

Conditions:
Joubert syndrome. Also called: CEREBELLOPARENCHYMAL DISORDER IV; JOUBERT-BOLTSHAUSER SYNDROME; Familial aplasia of the vermis. Identifiers: Orphanet 475, MedGen C5979921, MONDO:0018772.
Meckel-Gruber syndrome. Also called: DYSENCEPHALIA SPLANCHNOCYSTICA; GRUBER SYNDROME; Dysencephalia splachnocystica. Identifiers: Orphanet 564, MedGen C0265215, MONDO:0018921.

Submission:

Labcorp Genetics (formerly Invitae), Labcorp
Classification: Pathogenic for Joubert syndrome; Meckel-Gruber syndrome. Last evaluated: 2024-04-03. Review status: criteria provided, single submitter. Criteria: Invitae Variant Classification Sherloc (09022015). Collection method: clinical testing. Allele origin: germline.
Comment: This sequence change creates a premature translational stop signal (p.Arg602Glnfs*13) in the RPGRIP1L gene. It is expected to result in an absent or disrupted protein product. Loss-of-function variants in RPGRIP1L are known to be pathogenic (PMID: 17558409). This variant is not present in population databases (gnomAD no frequency). This variant has not been reported in the literature in individuals affected with RPGRIP1L-related conditions. For these reasons, this variant has been classified as Pathogenic.

Literature cited by the submitters: PubMed 17558409.

NM_015272.5(RPGRIP1L):c.1805del (p.Arg602fs)

Gene: RPGRIP1L (RPGRIP1 like; minus strand). Cytogenetic location: 16q12.2.
Variant type: Deletion.
Coding change: c.1805del on transcript NM_015272.5 (MANE Select); coding-DNA position 1805, one base deleted (G; older notation c.1805delG).
Protein change: p.Arg602fs; shifts the reading frame from arginine 602.
Molecular consequence: frameshift variant.
Genome position (GRCh38, 1-based): chr16:53,652,882, C deleted on the plus strand (G on the coding strand, the reverse complement: RPGRIP1L is on the minus strand). VCF-style (leftmost placement, unchanged base first): chr16-53652881-TC-T. GRCh37 (hg19) VCF-style: chr16-53686793-TC-T.
Other names: c.1805del, p.Arg602fs (NM_001127897.4, NM_001308334.3, NM_001330538.2); short protein forms R602fs.
Identifiers: ClinVar variation 3755683 (VCV003755683.2).